The following is an entry in ClinVar:

ClinVar aggregate classification (germline): Likely benign (1 of 4 stars; one submission).

Allele frequency attached by ClinVar (database versions not stated): gnomAD exomes below 0.00001; TOPMed below 0.00001.
gnomAD v4.1: 1 of 1,614,016 alleles (0.000062%); highest among the groups gnomAD compares: African/African-American, 0.0013%; no homozygotes.

Submission:

GeneDx
Classification: Likely benign. Last evaluated: 2015-09-02. Review status: criteria provided, single submitter. Criteria: GeneDx Variant Classification (06012015). Collection method: clinical testing. Allele origin: germline. Affected: yes.
Comment: This variant is considered likely benign or benign based on one or more of the following criteria: it is a conservative change, it occurs at a poorly conserved position in the protein, it is predicted to be benign by multiple in silico algorithms, and/or has population frequency not consistent with disease.

NM_014795.4(ZEB2):c.1949A>C (p.Asn650Thr)

Gene: ZEB2 (zinc finger E-box binding homeobox 2; minus strand). Cytogenetic location: 2q22.3.
Variant type: single nucleotide variant.
Coding change: c.1949A>C on transcript NM_014795.4 (MANE Select); coding-DNA position 1949, A replaced by C.
Protein change: p.Asn650Thr; replaces asparagine 650 with threonine.
Molecular consequence: missense variant.
Genome position (GRCh38, 1-based): chr2:144,399,238, T>G on the plus strand (A>C on the coding strand, the complement: ZEB2 is on the minus strand). VCF-style: chr2-144399238-T-G. GRCh37 (hg19) VCF-style: chr2-145156805-T-G.
Other names: c.1877A>C, p.Asn626Thr (NM_001171653.2); short protein forms N650T, N626T.
Identifiers: ClinVar variation 380302 (VCV000380302.1), dbSNP rs1057520817, ClinGen allele CA16603808.